The following is an entry in ClinVar:

ClinVar aggregate classification (germline): Benign. Review status: criteria provided, multiple submitters, no conflicts (2 of 4 stars). 2 submissions from 2 submitters: Benign (2). Last evaluated 2018-06-14.

Allele frequency attached by ClinVar (database versions not stated): 1000 Genomes Project 0.27216; 1000 Genomes Project 30x 0.27686; gnomAD 0.35802 and 0.36512; TOPMed 0.35883.
gnomAD v4.1: 54,556 of 152,044 alleles (36%); highest among the groups gnomAD compares: African/African-American, 41%; 10,274 homozygotes.

Submissions (6):

GeneDx
Classification: Benign. Last evaluated: 2018-06-14. Review status: criteria provided, single submitter. Criteria: GeneDx Variant Classification (06012015). Collection method: clinical testing. Allele origin: germline. Affected: yes.
Comment: This variant is considered likely benign or benign based on one or more of the following criteria: it is a conservative change, it occurs at a poorly conserved position in the protein, it is predicted to be benign by multiple in silico algorithms, and/or has population frequency not consistent with disease.

Breakthrough Genomics
Classification: Benign. Review status: criteria provided, single submitter. Criteria: ACMG Guidelines, 2015. Collection method: not provided. Allele origin: germline. Inheritance: Autosomal recessive inheritance. Affected: yes.

Dr. Peter K. Rogan Lab, Western University
No classification provided (evidence only). Condition: Malignant lymphoma, large B-cell, diffuse. Review status: no classification provided. Collection method: in vitro. Allele origin: not applicable. Functional consequence: retained intron. Not counted in ClinVar's aggregate classification.

Dr. Peter K. Rogan Lab, Western University
No classification provided (evidence only). Condition: Cholangiocarcinoma. Review status: no classification provided. Collection method: in vitro. Allele origin: not applicable. Functional consequence: retained intron. Not counted in ClinVar's aggregate classification.

Dr. Peter K. Rogan Lab, Western University
No classification provided (evidence only). Condition: Gastric cancer. Review status: no classification provided. Collection method: in vitro. Allele origin: not applicable. Functional consequence: retained intron. Not counted in ClinVar's aggregate classification.

Dr. Peter K. Rogan Lab, Western University
No classification provided (evidence only). Condition: Gastric cancer. Review status: no classification provided. Collection method: in vitro. Allele origin: not applicable. Functional consequence: retained intron. Not counted in ClinVar's aggregate classification.

NM_024809.5(TCTN2):c.1506-186G>A

Gene: TCTN2 (tectonic family member 2; plus strand). Cytogenetic location: 12q24.31.
Variant type: single nucleotide variant.
Coding change: c.1506-186G>A on transcript NM_024809.5 (MANE Select); 186 bases into the intron before coding-DNA position 1506, G replaced by A.
Molecular consequence: intron variant.
Genome position (GRCh38, 1-based): chr12:123,699,518, G>A. VCF-style: chr12-123699518-G-A. GRCh37 (hg19) VCF-style: chr12-124184065-G-A.
Other names: NC_000012.11:g.124184065G>A; c.1503-186G>A (NM_001143850.3).
Identifiers: ClinVar variation 672255 (VCV000672255.3), dbSNP rs11613632, ClinGen allele CA13677944.